The following is an entry in ClinVar:

ClinVar aggregate classification (germline): Pathogenic/Likely pathogenic. Review status: criteria provided, multiple submitters, no conflicts (2 of 4 stars). 30 submissions from 27 submitters: Pathogenic (21); Likely pathogenic (3). 6 of the submissions do not count toward it. Last evaluated 2026-08-13.

Conditions:
Autosomal recessive NMNAT1-related disorders.
autosomal recessive NMNAT1-related disorders..
Spondyloepiphyseal dysplasia, sensorineural hearing loss, impaired intellectual development, and leber congenital amaurosis. Also called: SHILCA SYNDROME. Identifiers: Orphanet 611207, MedGen C5543257, MONDO:0031007, OMIM 619260.
NMNAT1-related disorder. Also called: NMNAT1-related condition.
Hereditary Spastic Paraplegia (HSP).
Leber congenital amaurosis 9 (LCA9). Also called: LCA9 Leber Congenital Amaurosis; LCA 9; Amaurosis congenita of Leber, type 9. Identifiers: Orphanet 65, MedGen C1837873, MONDO:0012056, OMIM 608553.
Global developmental delay (DD). Also called: Cognitive delay. Identifiers: MedGen C0557874, HP:0001263. Disease mechanism: loss of function.
Severely reduced visual acuity. Also called: Severe visual impairment. Identifiers: MedGen C1301509, HP:0001141.
Retinal dystrophy. Also called: Inherited retinal dystrophy. Identifiers: Orphanet 71862, MedGen C0854723, MeSH D058499, MONDO:0019118, HP:0000556.
Developmental regression. Also called: C1836830. Identifiers: MedGen C1836830, HP:0002376.
Diarrhea. Identifiers: MedGen C0011991, HP:0002014.
Nystagmus. Identifiers: MedGen C0028738, MONDO:0004843, HP:0000639.
Gastrointestinal dysmotility. Identifiers: MedGen C1836923, HP:0002579.
Inborn genetic diseases. Identifiers: MedGen C0950123, MeSH D030342.
Leber congenital amaurosis (LCA). Also called: Leber's amaurosis. Identifiers: Orphanet 65, MedGen C0339527, MeSH D057130, MONDO:0018998.
Cone-rod dystrophy. Also called: Cone-rod degeneration; Cone/cone-rod dystrophy. Identifiers: Orphanet 1872, MedGen C4085590, MONDO:0015993, HP:0000548.
Retinal disorder. Also called: Retinal disorders; Retinopathy; Retinopathies; Retinal Diseases. Identifiers: MedGen C0035309, MONDO:0005283, HP:0000488.

Allele frequency attached by ClinVar (database versions not stated): 1000 Genomes Project 0.00020; 1000 Genomes Project 30x 0.00031; ExAC 0.00061; gnomAD exomes 0.00070 and 0.00103; gnomAD 0.00077 and 0.00087; TOPMed 0.00080; ESP Exome Variant Server 0.00108.

Submissions 1 to 8 of 30:

PreventionGenetics, part of Exact Sciences
Classification: Pathogenic for NMNAT1-related condition. Last evaluated: 2026-08-13. Review status: criteria provided, single submitter. Criteria: ACMG Guidelines, 2015. Collection method: clinical testing. Allele origin: germline.
Comment: The NMNAT1 c.769G>A variant is predicted to result in the amino acid substitution p.Glu257Lys. This variant has been reported along with a second NMNAT1 variant many times in individuals with Leber congenital amaurosis (see for examples Table S3 in Perrault et al. 2012. PubMed ID: 22842229; Chiang et al. 2012. PubMed ID: 22842231; Falk et al. 2012. PubMed ID: 22842227). Both in vivo and in vitro assays have indicated that this variant significantly reduces enzymatic activity compared to the wild-type protein (Koenekoop et al. 2012. PubMed ID: 22842230). This variant is reported in 0.12% of alleles in individuals of European (Non-Finnish) descent in gnomAD, which is relatively common; this variant has been suggested to be a founder variant (Koenekoop et al. 2012. PubMed ID: 22842230). The high frequency of the variant and the detection of this variant in the homozygous state in at least one unaffected individual indicates a reduced penetrance; it has been proposed that p.Gly257Lys is a hypomorphic allele that only causes disease when in trans with a more severe variant (Siemiatkowska et al. 2014. PubMed ID: 24830548). Given the evidence, we interpret this variant as pathogenic.

Victorian Clinical Genetics Services, Murdoch Childrens Research Institute
Classification: Pathogenic for Leber congenital amaurosis 9. Last evaluated: 2026-03-26. Review status: criteria provided, single submitter. Criteria: ACMG Guidelines, 2015. Collection method: clinical testing. Allele origin: germline. Affected: yes.
Comment: This variant is classified as Pathogenic. Evidence in support of pathogenic classification: Variant is present in gnomAD <0.01 for a recessive condition (v4: 1627 heterozygote(s), 1 homozygote(s)); This variant has strong previous evidence of pathogenicity in unrelated individuals. It has been reported as compound heterozygous in many individuals with Leber congenital amaurosis or Inherited retinal dystrophies (PMIDs: 22842229, 38892339, 34588515). It has also been reported as pathogenic/likely pathogenic by multiple clinical laboratories (ClinVar). Additional information: Variant is predicted to result in a missense amino acid change from Glu to Lys; This variant is heterozygous; This gene is associated with autosomal recessive disease; Loss of function is a known mechanism of disease in this gene and is associated with Leber congenital amaurosis 9 (MIM#608553). The association of this gene with spondyloepiphyseal dysplasia, sensorineural hearing loss, intellectual developmental disorder, and Leber congenital amaurosis (MIM#619260) is not well established (PanelApp Australia, ClinGen); Heterozygous variant detected in trans with a second PATHOGENIC heterozygous variant (NC_000001.11:g.9937209_9945515del) in a recessive disease.

Institute of Human Genetics, University of Leipzig Medical Center
Classification: Pathogenic for Spondyloepiphyseal dysplasia, sensorineural hearing loss, impaired intellectual development, and leber congenital amaurosis. Last evaluated: 2026-03-23. Review status: criteria provided, single submitter. Criteria: ACMG Guidelines, 2015. Collection method: clinical testing. Allele origin: unknown. Inheritance: Autosomal recessive inheritance. Affected: yes.
Comment: Criteria applied: PM3_VSTR,PM2_SUP,PP3

Dasa
Classification: Pathogenic for Leber congenital amaurosis 9. Last evaluated: 2026-02-27. Review status: criteria provided, single submitter. Criteria: DASA Assertion Criteria. Collection method: clinical testing. Allele origin: germline.
Comment: NM_022787.4(NMNAT1):c.769G>A (p.Glu257Lys) is a missense variant that results in the substitution of glutamic acid with lysine. This variant has been recurrently observed in individuals with NMNAT1-related disorders (PMID: 22842227; PMID: 22842229; PMID: 22842230; PMID: 22842231; PMID: 23040504). Functional evidence supports an impact on the gene or gene product (PMID: 26018082; PMID: 22842227; PMID: 22842229; PMID: 22842230; PMID: 22842231). Computational evidence supports a deleterious effect. Based on the currently available evidence, this variant is classified as pathogenic.

Labcorp Genetics (formerly Invitae), Labcorp
Classification: Pathogenic for Leber congenital amaurosis 9. Last evaluated: 2026-02-02. Review status: criteria provided, single submitter. Criteria: Invitae Variant Classification Sherloc (09022015). Collection method: clinical testing. Allele origin: germline.
Comment: This sequence change replaces glutamic acid, which is acidic and polar, with lysine, which is basic and polar, at codon 257 of the NMNAT1 protein (p.Glu257Lys). This variant is present in population databases (rs150726175, gnomAD 0.1%), and has an allele count higher than expected for a pathogenic variant. This missense change has been observed in individual(s) with Leber congenital amaurosis (LCA), retinitis pigmentosa, and cone-rod dystrophy (PMID: 22842227, 22842229, 22842230, 22842231, 23040504, 24625443, 24940029, 26103963, 27032803). In at least one individual the data is consistent with being in trans (on the opposite chromosome) from a pathogenic variant. It has also been observed to segregate with disease in related individuals. ClinVar contains an entry for this variant (Variation ID: 37134). Invitae Evidence Modeling of protein sequence and biophysical properties (such as structural, functional, and spatial information, amino acid conservation, physicochemical variation, residue mobility, and thermodynamic stability) indicates that this missense variant is not expected to disrupt NMNAT1 protein function with a negative predictive value of 80%. Experimental studies have shown that this missense change affects NMNAT1 function (PMID: 22842230, 26018082). For these reasons, this variant has been classified as Pathogenic.

CeGaT Center for Human Genetics Tuebingen
Classification: Pathogenic. Last evaluated: 2025-11-01. Review status: criteria provided, single submitter. Criteria: CeGaT Center For Human Genetics Tuebingen Variant Classification Criteria Version 2. Collection method: clinical testing. Allele origin: germline. Affected: yes. Observed: 9 variant alleles.
Comment: NMNAT1: PM3:Very Strong, PM2:Supporting, PS3:Supporting

Variantyx, Inc.
Classification: Pathogenic for Leber congenital amaurosis 9. Last evaluated: 2025-10-02. Review status: criteria provided, single submitter. Criteria: Variantyx Assertion Criteria 2022. Collection method: clinical testing. Allele origin: germline. Inheritance: Autosomal recessive inheritance.
Comment: This is a nonsynonymous variant in the NMNAT1 gene (OMIM: 608700). Pathogenic variants in this gene have been associated with autosomal recessive Leber congenital amaurosis 9. This variant has been identified in the homozygous or compound heterozygous state in at least 5 individuals reported in the published literature (PMID: 22842231) (PM3_Very_Strong. and it has been observed to segregate with disease in at least 2 individuals from 1 family (PMID: 22842231) (PP1). Functional studies have shown that this variant alters NMNAT1 protein function (PMID: 22842230, 29674119, 26018082) (PS3) and multiple computational algorithms predict a deleterious effect for this variant (REVEL score: 0.694) (PP3). This variant has a 0.1251% maximum allele frequency in non-founder control populations. Based on the current evidence, this variant is classified as pathogenic for autosomal recessive Leber congenital amaurosis 9.

Genetics Laboratory, Great Ormond Street Hospital NHS Foundation Trust, North Thames Genomic Laboratory Hub
Classification: Pathogenic for Retinal disorders. Last evaluated: 2025-09-23. Review status: criteria provided, single submitter. Criteria: ACGS Best Practice Guidelines for Variant Classification in Rare Disease 2024 v1.2. Collection method: clinical testing. Allele origin: germline. Affected: yes.
Comment: PS3_moderate, PM3_very-strong

NM_022787.4(NMNAT1):c.769G>A (p.Glu257Lys)

Gene: NMNAT1 (nicotinamide nucleotide adenylyltransferase 1; plus strand). Cytogenetic location: 1p36.22.
Variant type: single nucleotide variant.
Coding change: c.769G>A on transcript NM_022787.4 (MANE Select); coding-DNA position 769, G replaced by A.
Protein change: p.Glu257Lys; replaces glutamic acid 257 with lysine.
Molecular consequence: missense variant.
Genome position (GRCh38, 1-based): chr1:9,982,630, G>A. VCF-style: chr1-9982630-G-A. GRCh37 (hg19) VCF-style: chr1-10042688-G-A.
Other names: NMNAT1, GLU257LYS (rs150726175); c.769G>A, p.Glu257Lys (NM_001297778.1); short protein forms E257K.
Identifiers: ClinVar variation 37134 (VCV000037134.85), dbSNP rs150726175, ClinGen allele CA342906.